The following is an entry in ClinVar:

ClinVar aggregate classification (germline): Uncertain significance. Review status: criteria provided, multiple submitters, no conflicts (2 of 4 stars). 2 submissions from 2 submitters: Uncertain significance (2). Last evaluated 2024-05-08.

Conditions:
Hermansky-Pudlak syndrome 2 (HPS2). Also called: Platelet defects and oculocutaneous albinism. Identifiers: Orphanet 183678, Orphanet 79430, MedGen C1842362, MONDO:0011997, OMIM 608233.

Submissions (2):

Women's Health and Genetics/Laboratory Corporation of America, LabCorp
Classification: Uncertain significance. Last evaluated: 2024-05-08. Review status: criteria provided, single submitter. Criteria: LabCorp Variant Classification Summary - May 2015. Collection method: clinical testing. Allele origin: germline.
Comment: Variant summary: AP3B1 c.2012C>T (p.Ser671Phe) results in a non-conservative amino acid change in the encoded protein sequence. Three of five in-silico tools predict a damaging effect of the variant on protein function. The variant was absent in 251278 control chromosomes. The available data on variant occurrences in the general population are insufficient to allow any conclusion about variant significance. c.2012C>T has been reported in the literature in one individual affected with last onset primary Hemophagocytic Lymphohistiocytosis, but not segregating with disease in the faimily (Li_2018). These report(s) do not provide unequivocal conclusions about association of the variant with Hermansky-Pudlak Syndrome. To our knowledge, no experimental evidence demonstrating an impact on protein function has been reported. The following publication have been ascertained in the context of this evaluation (Li 2018 et al). ClinVar contains an entry for this variant (Variation ID: 354233). Based on the evidence outlined above, the variant was classified as uncertain significance.

Illumina Laboratory Services, Illumina
Classification: Uncertain significance for Hermansky-Pudlak syndrome 2. Last evaluated: 2018-01-13. Review status: criteria provided, single submitter. Criteria: ICSL Variant Classification Criteria 13 December 2019. Collection method: clinical testing. Allele origin: germline.

NM_003664.5(AP3B1):c.2012C>T (p.Ser671Phe)

Gene: AP3B1 (adaptor related protein complex 3 subunit beta 1; minus strand). Cytogenetic location: 5q14.1.
Variant type: single nucleotide variant.
Coding change: c.2012C>T on transcript NM_003664.5 (MANE Select); coding-DNA position 2012, C replaced by T.
Protein change: p.Ser671Phe; replaces serine 671 with phenylalanine.
Molecular consequence: missense variant.
Genome position (GRCh38, 1-based): chr5:78,116,191, G>A on the plus strand (C>T on the coding strand, the complement: AP3B1 is on the minus strand). VCF-style: chr5-78116191-G-A. GRCh37 (hg19) VCF-style: chr5-77412015-G-A.
Other names: c.1865C>T, p.Ser622Phe (NM_001271769.2); short protein forms S671F, S622F.
Identifiers: ClinVar variation 354233 (VCV000354233.6), dbSNP rs886060773, ClinGen allele CA10625047.